The following is an entry in ClinVar:

ClinVar aggregate classification (germline): Uncertain significance. Review status: criteria provided, multiple submitters, no conflicts (2 of 4 stars). 2 submissions from 2 submitters: Uncertain significance (2). Last evaluated 2022-10-10.

Conditions:
PRX-related disorder. Also called: PRX-Related Disorders; PRX-related condition.
Charcot-Marie-Tooth disease type 4. Also called: Charcot-Marie-Tooth, Type 4; Charcot-Marie-Tooth disease, type IV. Identifiers: Orphanet 64749, MedGen C4082197, MONDO:0018995.

Allele frequency attached by ClinVar (database versions not stated): TOPMed 0.00002; ExAC 0.00003; gnomAD 0.00003; gnomAD exomes 0.00004; ESP Exome Variant Server 0.00008.
gnomAD v4.1: 40 of 1,606,898 alleles (0.0025%); highest among the groups gnomAD compares: South Asian, 0.02%; no homozygotes.

Submissions (2):

PreventionGenetics, part of Exact Sciences
Classification: Uncertain significance for PRX-related condition. Last evaluated: 2022-10-10. Review status: criteria provided, single submitter. Criteria: ACMG Guidelines, 2015. Collection method: clinical testing. Allele origin: germline.
Comment: The PRX c.3707C>T variant is predicted to result in the amino acid substitution p.Ala1236Val. To our knowledge, this variant has not been reported in the literature. This variant is reported in 0.020% of alleles in individuals of South Asian descent in gnomAD. At this time, the clinical significance of this variant is uncertain due to the absence of conclusive functional and genetic evidence.

Labcorp Genetics (formerly Invitae), Labcorp
Classification: Uncertain significance for Charcot-Marie-Tooth disease type 4. Last evaluated: 2021-12-06. Review status: criteria provided, single submitter. Criteria: Invitae Variant Classification Sherloc (09022015). Collection method: clinical testing. Allele origin: germline.
Comment: This sequence change replaces alanine, which is neutral and non-polar, with valine, which is neutral and non-polar, at codon 1236 of the PRX protein (p.Ala1236Val). This variant is present in population databases (rs142501082, gnomAD 0.02%). This variant has not been reported in the literature in individuals affected with PRX-related conditions. ClinVar contains an entry for this variant (Variation ID: 661608). Algorithms developed to predict the effect of missense changes on protein structure and function output the following: SIFT: "Tolerated"; PolyPhen-2: "Benign"; Align-GVGD: "Class C0". The valine amino acid residue is found in multiple mammalian species, which suggests that this missense change does not adversely affect protein function. Algorithms developed to predict the effect of sequence changes on RNA splicing suggest that this variant may create or strengthen a splice site. In summary, the available evidence is currently insufficient to determine the role of this variant in disease. Therefore, it has been classified as a Variant of Uncertain Significance.

NM_181882.3(PRX):c.3707C>T (p.Ala1236Val)

Gene: PRX (periaxin; minus strand). Cytogenetic location: 19q13.2.
Variant type: single nucleotide variant.
Coding change: c.3707C>T on transcript NM_181882.3 (MANE Select); coding-DNA position 3707, C replaced by T.
Protein change: p.Ala1236Val; replaces alanine 1236 with valine.
Molecular consequence: missense variant. On other transcripts: 3 prime UTR variant (1).
Genome position (GRCh38, 1-based): chr19:40,394,645, G>A on the plus strand (C>T on the coding strand, the complement: PRX is on the minus strand). VCF-style: chr19-40394645-G-A. GRCh37 (hg19) VCF-style: chr19-40900552-G-A.
Other names: c.*3912C>T (NM_020956.2); short protein forms A1236V.
Identifiers: ClinVar variation 661608 (VCV000661608.5), dbSNP rs142501082, ClinGen allele CA9443804.